The following is an entry in ClinVar:

NM_002109.6(HARS1):c.256C>T (p.Arg86Cys)

Gene: HARS1 (histidyl-tRNA synthetase 1; minus strand). Cytogenetic location: 5q31.3.
Variant type: single nucleotide variant.
Coding change: c.256C>T on transcript NM_002109.6 (MANE Select); coding-DNA position 256, C replaced by T.
Protein change: p.Arg86Cys; replaces arginine 86 with cysteine.
Molecular consequence: missense variant. On other transcripts: intron variant (3).
Genome position (GRCh38, 1-based): chr5:140,683,144, G>A on the plus strand (C>T on the coding strand, the complement: HARS1 is on the minus strand). VCF-style: chr5-140683144-G-A. GRCh37 (hg19) VCF-style: chr5-140062729-G-A.
Other names: c.256C>T (NM_002109.5); c.256C>T, p.Arg86Cys (NM_001258041.3, NM_001289092.2); c.169C>T, p.Arg57Cys (NM_001289094.2); c.181-5129C>T (NM_001289093.2); c.181-3261C>T (NM_001258042.3, NM_001258040.3); short protein forms R57C, R86C.
Identifiers: ClinVar variation 1678556 (VCV001678556.12), dbSNP rs775758650, ClinGen allele CA3444154.

ClinVar aggregate classification (germline): Uncertain significance. Review status: criteria provided, multiple submitters, no conflicts (2 of 4 stars). 5 submissions from 5 submitters: Uncertain significance (5). Last evaluated 2025-12-10.

Conditions:
Usher syndrome type 3B. Also called: USHER SYNDROME, TYPE IIIB. Identifiers: MedGen C3281066, MONDO:0013788, OMIM 614504.
Autosomal dominant Charcot-Marie-Tooth disease type 2W. Also called: CHARCOT-MARIE-TOOTH NEUROPATHY, TYPE 2W; CHARCOT-MARIE-TOOTH DISEASE, AXONAL, AUTOSOMAL DOMINANT, TYPE 2W; Charcot-Marie-Tooth disease, axonal, type 2w. Identifiers: Orphanet 488333, MedGen C5567486, MONDO:0014711, OMIM 616625.

Allele frequency attached by ClinVar (database versions not stated): gnomAD 0.00001; TOPMed 0.00001; gnomAD exomes 0.00002 and 0.00003; ExAC 0.00003.

Submissions (5):

Labcorp Genetics (formerly Invitae), Labcorp
Classification: Uncertain significance for Usher syndrome type 3B. Last evaluated: 2025-12-10. Review status: criteria provided, single submitter. Criteria: Invitae Variant Classification Sherloc (09022015). Collection method: clinical testing. Allele origin: germline.
Comment: This sequence change replaces arginine, which is basic and polar, with cysteine, which is neutral and slightly polar, at codon 86 of the HARS protein (p.Arg86Cys). This variant is present in population databases (rs775758650, gnomAD 0.006%). This variant has not been reported in the literature in individuals affected with HARS-related conditions. ClinVar contains an entry for this variant (Variation ID: 1678556). Invitae Evidence Modeling of protein sequence and biophysical properties (such as structural, functional, and spatial information, amino acid conservation, physicochemical variation, residue mobility, and thermodynamic stability) indicates that this missense variant is not expected to disrupt HARS protein function with a negative predictive value of 80%. In summary, the available evidence is currently insufficient to determine the role of this variant in disease. Therefore, it has been classified as a Variant of Uncertain Significance.

GeneDx
Classification: Uncertain significance. Last evaluated: 2025-09-29. Review status: criteria provided, single submitter. Criteria: GeneDx Variant Classification Process June 2021. Collection method: clinical testing. Allele origin: germline. Affected: yes.
Comment: In silico analysis supports that this missense variant has a deleterious effect on protein structure/function; Has not been previously published as pathogenic or benign to our knowledge

Blueprint Genetics
Classification: Uncertain significance. Last evaluated: 2024-11-05. Review status: criteria provided, single submitter. Criteria: ACMG Guidelines, 2015. Collection method: clinical testing. Allele origin: germline.

Victorian Clinical Genetics Services, Murdoch Childrens Research Institute
Classification: Uncertain significance for Autosomal dominant Charcot-Marie-Tooth disease type 2W. Last evaluated: 2021-05-06. Review status: criteria provided, single submitter. Criteria: ACMG Guidelines, 2015. Collection method: clinical testing. Allele origin: germline. Inheritance: Autosomal dominant inheritance.
Comment: Based on the classification scheme VCGS_Germline_v1.3.4, this variant is classified as VUS-3B. Following criteria are met: 0103 - Loss of function is a known mechanism of disease in this gene, and is associated with multisystemic ataxic syndrome (PMID: 32333447), while dominant negative is a suggested mechanism associated with Charcot-Marie-Tooth disease, axonal, type 2W (CMT) (MIM#616625) (PMID: 26072516). While studies have shown missense variants causing CMT to have a loss of function effect, dominant negative is a more likely mechanism and is yet to be functionally proven (PMID: 32940403). (I) 0108 - This gene is associated with both recessive and dominant disease. Missense variants have been reported to cause CMT, while an association to recessive Usher syndrome is disputed (ClinGen, OMIM, PMID: 26072516). Individuals with biallelic variants have been reported to cause a recessive multisystemic ataxic syndrome (PMID: 32333447). (I) 0200 - Variant is predicted to result in a missense amino acid change from arginine to cysteine. (I) 0219 - This variant is non-coding in an alternative transcript. This variant is protein coding in the ClinVar predominant transcript (NM_002109.6), but is non-coding in another highly expressed transcript (GTex). (I) 0251 - This variant is heterozygous. (I) 0302 - Variant is present in gnomAD (v2) <0.001 for a dominant condition (7 heterozygotes, 0 homozygotes). (SP) 0309 - An alternative amino acid change at the same position has been observed in gnomAD (v2) (17 heterozygotes, 0 homozygotes). (I) 0501 - Missense variant consistently predicted to be damaging by multiple in silico tools or highly conserved with a major amino acid change. (SP) 0600 - Variant is located in the annotated histidyl-tRNA synthetase domain (Pfam, DECIPHER). (I) 0709 - Another missense variant has limited previous evidence for being benign. This alternative missense variant (p.Arg86His) has a lower Grantham score, and has been described as non-causative due to non segregation in a family with CMT (PMID: 24354524). (I) 0807 - This variant has no previous evidence of pathogenicity. (I) 0905 - No published segregation evidence has been identified for this variant. (I) 1007 - No published functional evidence has been identified for this variant. (I) 1208 - Inheritance information for this variant is not currently available in this individual. (I) Legend: (SP) - Supporting pathogenic, (I) - Information, (SB) - Supporting benign

Molecular Genetics, Royal Melbourne Hospital
Classification: Uncertain significance for Autosomal dominant Charcot-Marie-Tooth disease type 2W. Last evaluated: 2021-02-26. Review status: criteria provided, single submitter. Criteria: ACMG Guidelines, 2015. Collection method: clinical testing. Allele origin: germline. Affected: yes.
Comment: This sequence change is predicted to replace arginine with cysteine at codon 86 of the HARS1 protein (p.(Arg86Cys)). The arginine residue is evolutionarily conserved (100 vertebrates, UCSC), and is located in the histidyl-tRNA synthetase catalytic domain. There is a large physicochemical difference between arginine and cysteine. The variant is present in a large population cohort at a frequency of 0.003% (rs775758650, 7/251,490 alleles, 0 homozygotes in gnomAD v2.1), and has not been reported in the relevant medical literature or databases. Multiple lines of computational evidence predict a deleterious effect for the missense substitution (PP3; 4/6 algorithms). Based on the classification scheme RMH ACMG Guidelines v1.2.1, this variant is classified as a VARIANT OF UNCERTAIN SIGNIFICANCE. Following criteria are met: PP3.

Literature cited by the submitters: PubMed 24354524 (cited by Victorian Clinical Genetics Services, Murdoch Childrens Research Institute); PubMed 26072516 (cited by Victorian Clinical Genetics Services, Murdoch Childrens Research Institute); PubMed 32333447 (cited by Victorian Clinical Genetics Services, Murdoch Childrens Research Institute); PubMed 32940403 (cited by Victorian Clinical Genetics Services, Murdoch Childrens Research Institute).